The following is an entry in ClinVar:

NC_000006.11:g.(?_31825435)_(31830599_?)dup

Gene: NEU1 (neuraminidase 1; minus strand). Cytogenetic location: 6p21.33.
Variant type: Duplication.
Identifiers: ClinVar variation 3339597 (VCV003339597.1).

ClinVar aggregate classification (germline): Uncertain significance (1 of 4 stars; one submission).

Submission:

Women's Health and Genetics/Laboratory Corporation of America, LabCorp
Classification: Uncertain significance. Last evaluated: 2024-06-12. Review status: criteria provided, single submitter. Criteria: LabCorp Variant Classification Summary - May 2015. Collection method: clinical testing. Allele origin: germline.
Comment: Variant summary: The variant involves the duplication of the whole NEU1 gene involving exons 1-6. A presumed nomenclature of c.(?_-46)_(*2061_?)dup has been designated for the purposes of this classification. This duplication includes the entire coding sequence of the gene. As exact breakpoints are unknown, it may extend beyond the annotated region of the gene, to include other flanking genes. The variant was absent in 21694 control chromosomes. The available data on variant occurrences in the general population are insufficient to allow any conclusion about variant significance. To our knowledge, no occurrence of c.(?_-46)_(*2061_?)dup in individuals affected with Sialidosis and no experimental evidence demonstrating its impact on protein function have been reported. No submitters have cited clinical-significance assessments for this variant to ClinVar. Based on the evidence outlined above, the variant was classified as uncertain significance.